The following is an entry in ClinVar:

NM_001278716.2(FBXL4):c.1772A>G (p.Asp591Gly)

Gene: FBXL4 (F-box and leucine rich repeat protein 4; minus strand). Cytogenetic location: 6q16.1.
Variant type: single nucleotide variant.
Coding change: c.1772A>G on transcript NM_001278716.2 (MANE Select); coding-DNA position 1772, A replaced by G.
Protein change: p.Asp591Gly; replaces aspartic acid 591 with glycine.
Molecular consequence: missense variant. On other transcripts: non-coding transcript variant (1).
Genome position (GRCh38, 1-based): chr6:98,874,372, T>C on the plus strand (A>G on the coding strand, the complement: FBXL4 is on the minus strand). VCF-style: chr6-98874372-T-C. GRCh37 (hg19) VCF-style: chr6-99322248-T-C.
Other names: c.1772A>G, p.Asp591Gly (NM_012160.5); short protein forms D591G.
Identifiers: ClinVar variation 437485 (VCV000437485.1), dbSNP rs747618415, ClinGen allele CA16021023.

ClinVar aggregate classification (germline): Likely pathogenic (1 of 4 stars; one submission).

Conditions:
Mitochondrial DNA depletion syndrome 13. Also called: FBXL4-Related Encephalomyopathic Mitochondrial DNA Depletion Syndrome; Mitochondrial DNA depletion syndrome 13 (encephalomyopathic type). Identifiers: Orphanet 369897, MedGen C3809592, MONDO:0014198, OMIM 615471.

gnomAD v4.1: 1 of 1,613,302 alleles (0.000062%); highest among the groups gnomAD compares: South Asian, 0.0011%; no homozygotes.

Submission:

Wong Mito Lab, Molecular and Human Genetics, Baylor College of Medicine
Classification: Likely pathogenic for Mitochondrial DNA depletion syndrome 13. Last evaluated: 2017-08-10. Review status: criteria provided, single submitter. Criteria: ACMG Guidelines, 2015. Collection method: clinical testing. Allele origin: germline. Affected: yes.
Comment: The NM_012160.4:c.1772A>G (NP_036292.2:p.Asp591Gly) [GRCH38: NC_000006.12:g.98874372T>C] variant in FBXL4 gene is interpretated to be a Likely Pathogenic based on ACMG guidelines (PMID: 25741868). This variant has been reported in PMID:25868664 . This variant meets one or more of the following evidence codes reported in the ACMG-guideline. PM2:This variant is absent in key population databases. PP2:This is a missense variant in FBXL4 with a low rate of benign and high rate of pathogenic missense variations. PP3:Computational evidence/predictors indicate the variant has deleterious effect on FBXL4 structure, function, or protein-protein interaction. PP4:Patientâ€™s phenotype or family history is highly specific for FBXL4. PP5:Reputable source(s) suggest that the variant is pathogenic. Based on this evidence code ClinGen Pathogenicity Calculator (PMID:28081714) suggested that the variant is Likely Pathogenic.

Literature cited by the submitters: PubMed 25868664.